The following is an entry in ClinVar:

ClinVar aggregate classification (germline): Uncertain significance. Review status: criteria provided, multiple submitters, no conflicts (2 of 4 stars). 2 submissions from 2 submitters: Uncertain significance (2). Last evaluated 2023-03-22.

Conditions:
Sphingolipid activator protein 1 deficiency. Also called: Saposin B Deficiency; METACHROMATIC LEUKODYSTROPHY DUE TO CEREBROSIDE SULFATASE ACTIVATOR DEFICIENCY; Metachromatic leukodystrophy due to saposin B deficiency. Identifiers: Orphanet 512, MedGen C0268262, MONDO:0009590, OMIM 249900.
Inborn genetic diseases. Identifiers: MedGen C0950123, MeSH D030342.

Allele frequency attached by ClinVar (database versions not stated): ESP Exome Variant Server 0.00008.
gnomAD v4.1: 19 of 1,613,958 alleles (0.0012%); highest among the groups gnomAD compares: Non-Finnish European, 0.0014%; no homozygotes.

Submissions (2):

Ambry Genetics
Classification: Uncertain significance for Inborn genetic diseases. Last evaluated: 2023-03-22. Review status: criteria provided, single submitter. Criteria: Ambry Variant Classification Scheme 2023. Collection method: clinical testing. Allele origin: germline.

Labcorp Genetics (formerly Invitae), Labcorp
Classification: Uncertain significance for Sphingolipid activator protein 1 deficiency. Last evaluated: 2022-05-20. Review status: criteria provided, single submitter. Criteria: Invitae Variant Classification Sherloc (09022015). Collection method: clinical testing. Allele origin: germline.
Comment: This sequence change replaces methionine, which is neutral and non-polar, with threonine, which is neutral and polar, at codon 76 of the PSAP protein (p.Met76Thr). This variant is present in population databases (rs377024801, gnomAD 0.006%). This variant has not been reported in the literature in individuals affected with PSAP-related conditions. Algorithms developed to predict the effect of missense changes on protein structure and function are either unavailable or do not agree on the potential impact of this missense change (SIFT: "Not Available"; PolyPhen-2: "Benign"; Align-GVGD: "Not Available"). In summary, the available evidence is currently insufficient to determine the role of this variant in disease. Therefore, it has been classified as a Variant of Uncertain Significance.

NM_002778.4(PSAP):c.227T>C (p.Met76Thr)

Gene: PSAP (prosaposin; minus strand). Cytogenetic location: 10q22.1.
Variant type: single nucleotide variant.
Coding change: c.227T>C on transcript NM_002778.4 (MANE Select); coding-DNA position 227, T replaced by C.
Protein change: p.Met76Thr; replaces methionine 76 with threonine.
Molecular consequence: missense variant.
Genome position (GRCh38, 1-based): chr10:71,831,868, A>G on the plus strand (T>C on the coding strand, the complement: PSAP is on the minus strand). VCF-style: chr10-71831868-A-G. GRCh37 (hg19) VCF-style: chr10-73591625-A-G.
Other names: c.227T>C, p.Met76Thr (NM_001042465.3, NM_001042466.3); c.227T>C (NM_002778.2); short protein forms M76T.
Identifiers: ClinVar variation 2202141 (VCV002202141.3), dbSNP rs377024801, ClinGen allele CA5547843.
Genomic context (GRCh38, chr10:71,831,868, plus strand): 5'-CCGTGGCTCAAGCACCATCCCCACTCACCGCCGCTCACCTCAGTGGCATTGTCCTTCAGC[A>G]TATCACCAGCTGCGGTGACAACGTCTTTGCATATGTCGCAGGGAAGGGATTTCTAAGAGA-3'
Protein context (NP_002769.1, residues 66-86): CKDVVTAAGD[Met76Thr]LKDNATEEEI